The following is an entry in ClinVar:

ClinVar aggregate classification (germline): Uncertain significance (1 of 4 stars; one submission).

Conditions:
Cardiovascular phenotype. Identifiers: MedGen CN230736.

Submission:

Ambry Genetics
Classification: Uncertain significance for Cardiovascular phenotype. Last evaluated: 2024-05-22. Review status: criteria provided, single submitter. Criteria: Ambry Variant Classification Scheme 2023. Collection method: clinical testing. Allele origin: germline.
Comment: The p.S3012T variant (also known as c.9035G>C), located in coding exon 37 of the AKAP9 gene, results from a G to C substitution at nucleotide position 9035. The serine at codon 3012 is replaced by threonine, an amino acid with similar properties. This amino acid position is conserved. In addition, this alteration is predicted to be tolerated by in silico analysis. Based on the available evidence, the clinical significance of this variant remains unclear.

NM_005751.5(AKAP9):c.9035G>C (p.Ser3012Thr)

Gene: AKAP9 (A-kinase anchoring protein 9; plus strand). Cytogenetic location: 7q21.2.
Variant type: single nucleotide variant.
Coding change: c.9035G>C on transcript NM_005751.5 (MANE Select); coding-DNA position 9035, G replaced by C.
Protein change: p.Ser3012Thr; replaces serine 3012 with threonine.
Molecular consequence: missense variant.
Genome position (GRCh38, 1-based): chr7:92,086,238, G>C. VCF-style: chr7-92086238-G-C. GRCh37 (hg19) VCF-style: chr7-91715552-G-C.
Other names: c.3680G>C, p.Ser1227Thr (NM_001379277.1); c.9011G>C, p.Ser3004Thr (NM_147185.3); short protein forms S1227T, S3012T, S3004T.
Identifiers: ClinVar variation 3282047 (VCV003282047.1).